The following is an entry in ClinVar:

NM_000455.5(STK11):c.1252T>A (p.Cys418Ser)

Gene: STK11 (serine/threonine kinase 11; plus strand). Cytogenetic location: 19p13.3.
Variant type: single nucleotide variant.
Coding change: c.1252T>A on transcript NM_000455.5 (MANE Select); coding-DNA position 1252, T replaced by A.
Protein change: p.Cys418Ser; replaces cysteine 418 with serine.
Molecular consequence: missense variant.
Genome position (GRCh38, 1-based): chr19:1,226,597, T>A. VCF-style: chr19-1226597-T-A. GRCh37 (hg19) VCF-style: chr19-1226596-T-A.
Other names: p.C418S:TGC>AGC; short protein forms C418S.
Identifiers: ClinVar variation 182919 (VCV000182919.16), dbSNP rs730881991, ClinGen allele CA022540.

ClinVar aggregate classification (germline): Conflicting classifications of pathogenicity. Review status: criteria provided, conflicting classifications (1 of 4 stars). 5 submissions from 5 submitters: Uncertain significance (3); Likely benign (2). Last evaluated 2025-12-10.

Conditions:
Hereditary cancer-predisposing syndrome. Also called: Tumor predisposition; Hereditary Cancer Syndrome; Hereditary neoplastic syndrome; Neoplastic Syndromes, Hereditary. Identifiers: Orphanet 140162, MedGen C0027672, MeSH D009386, MONDO:0015356.
Peutz-Jeghers syndrome (PJS). Also called: POLYPOSIS, HAMARTOMATOUS INTESTINAL; POLYPS-AND-SPOTS SYNDROME; Peutz-Jeghers polyposis; Periorificial lentiginosis syndrome. Identifiers: Orphanet 2869, MedGen C0031269, MeSH D010580, MONDO:0008280, OMIM 175200.

Allele frequency attached by ClinVar (database versions not stated): ExAC below 0.00001; gnomAD exomes below 0.00001 and 0.00001; TOPMed 0.00001.
gnomAD v4.1: 5 of 1,565,828 alleles (0.00032%); highest among the groups gnomAD compares: African/African-American, 0.0054%; no homozygotes.

Submissions (5):

Labcorp Genetics (formerly Invitae), Labcorp
Classification: Likely benign for Peutz-Jeghers syndrome. Last evaluated: 2025-12-10. Review status: criteria provided, single submitter. Criteria: Invitae Variant Classification Sherloc (09022015). Collection method: clinical testing. Allele origin: germline.

GeneDx
Classification: Uncertain significance. Last evaluated: 2024-04-05. Review status: criteria provided, single submitter. Criteria: GeneDx Variant Classification Process June 2021. Collection method: clinical testing. Allele origin: germline. Affected: yes.
Comment: Not observed at significant frequency in large population cohorts (gnomAD); In silico analysis indicates that this missense variant does not alter protein structure/function; Has not been previously published as pathogenic or benign to our knowledge; This variant is associated with the following publications: (PMID: 28900777, 31871109)

Color Diagnostics, LLC DBA Color Health
Classification: Uncertain significance for Hereditary cancer-predisposing syndrome. Last evaluated: 2023-02-28. Review status: criteria provided, single submitter. Criteria: ACMG Guidelines, 2015. Collection method: clinical testing. Allele origin: germline.
Comment: This missense variant replaces cysteine with serine at codon 418 of the STK11 protein. Computational prediction suggests that this variant may not impact protein structure and function (internally defined REVEL score threshold <= 0.5, PMID: 27666373). To our knowledge, functional studies have not been reported for this variant. This variant has not been reported in individuals affected with STK11-related disorders in the literature. This variant has been identified in 2/165454 chromosomes in the general population by the Genome Aggregation Database (gnomAD). The available evidence is insufficient to determine the role of this variant in disease conclusively. Therefore, this variant is classified as a Variant of Uncertain Significance.

Ambry Genetics
Classification: Likely benign for Hereditary cancer-predisposing syndrome. Last evaluated: 2022-09-01. Review status: criteria provided, single submitter. Criteria: Ambry Variant Classification Scheme 2023. Collection method: clinical testing. Allele origin: germline.

Genome-Nilou Lab
Classification: Uncertain significance for Peutz-Jeghers syndrome. Last evaluated: 2021-07-15. Review status: criteria provided, single submitter. Criteria: ACMG Guidelines, 2015. Collection method: clinical testing. Allele origin: germline. Affected: no.

Literature cited by the submitters: PubMed 31871109 (cited by Ambry Genetics).